The following is an entry in ClinVar:

ClinVar aggregate classification (germline): Uncertain significance (1 of 4 stars; one submission).

Conditions:
UGT1A1-related disorder. Also called: UGT1A1-related disorders; UGT1A1-related condition.

Submission:

PreventionGenetics, part of Exact Sciences
Classification: Uncertain significance for UGT1A1-related condition. Last evaluated: 2025-10-14. Review status: criteria provided, single submitter. Criteria: ACMG Guidelines, 2015. Collection method: clinical testing. Allele origin: germline.
Comment: The UGT1A1 c.455C>G variant is predicted to result in the amino acid substitution p.Pro152Arg. To our knowledge, this variant has not been reported in the literature or in a large population database (gnomAD), indicating this variant is rare. At this time, the clinical significance of this variant is uncertain due to the absence of conclusive functional and genetic evidence.

NM_000463.3(UGT1A1):c.455C>G (p.Pro152Arg)

Genes: UGT1A (UDP glucuronosyltransferase family 1 member A complex locus; plus strand), UGT1A1 (UDP glucuronosyltransferase family 1 member A1; plus strand), UGT1A10 (UDP glucuronosyltransferase family 1 member A10; plus strand), UGT1A3 (UDP glucuronosyltransferase family 1 member A3; plus strand), UGT1A4 (UDP glucuronosyltransferase family 1 member A4; plus strand) and 5 more. Cytogenetic location: 2q37.1.
Variant type: single nucleotide variant.
Coding change: c.455C>G on transcript NM_000463.3 (MANE Select); coding-DNA position 455, C replaced by G.
Protein change: p.Pro152Arg; replaces proline 152 with arginine.
Molecular consequence: missense variant. On other transcripts: intron variant (9).
Genome position (GRCh38, 1-based): chr2:233,760,742, C>G. VCF-style: chr2-233760742-C-G. GRCh37 (hg19) VCF-style: chr2-234669388-C-G.
Other names: c.856-6292C>G (NM_019076.5, NM_019075.4, NM_021027.3 and 1 more transcripts); c.61-6292C>G (NM_205862.3); c.862-6292C>G (NM_001072.4); c.868-6292C>G (NM_019078.2, NM_007120.3, NM_019093.4); short protein forms P152R.
Identifiers: ClinVar variation 4984570 (VCV004984570.1).